The following is an entry in ClinVar:

ClinVar aggregate classification (germline): Likely benign (1 of 4 stars; one submission).

Conditions:
NF1-related disorder. Also called: NF1-related condition. Identifiers: MedGen CN379171.

gnomAD v4.1: 84 of 1,609,478 alleles (0.0052%); highest among the groups gnomAD compares: East Asian, 0.047%; 1 homozygote.

Submission:

PreventionGenetics, part of Exact Sciences
Classification: Likely benign for NF1-related condition. Last evaluated: 2025-05-06. Review status: criteria provided, single submitter. Criteria: ACMG Guidelines, 2015. Collection method: clinical testing. Allele origin: germline.
Comment: This variant is classified as likely benign based on ACMG/AMP sequence variant interpretation guidelines (Richards et al. 2015 PMID: 25741868, with internal and published modifications).

NM_001042492.3(NF1):c.2851-44T>C

Gene: NF1 (neurofibromin 1; plus strand). Cytogenetic location: 17q11.2.
Variant type: single nucleotide variant.
Coding change: c.2851-44T>C on transcript NM_001042492.3 (MANE Select); 44 bases into the intron before coding-DNA position 2851, T replaced by C.
Molecular consequence: intron variant.
Genome position (GRCh38, 1-based): chr17:31,229,791, T>C. VCF-style: chr17-31229791-T-C. GRCh37 (hg19) VCF-style: chr17-29556809-T-C.
Other names: c.2851-44T>C (NM_000267.4).
Identifiers: ClinVar variation 4979074 (VCV004979074.1).
Genomic context (GRCh38, chr17:31,229,791, plus strand): 5'-GGTGCACTTACTCTGTGTGTTTAGATCAGTCAGTTTCATCTCTCTAGGGGGTCTGTCTTC[T>C]GGGCATTGATGGCAAATCATTAATGTATTTGTTCTTTCTTTAGGTTTTATTGACTGATAC-3'